The following is an entry in ClinVar:

ClinVar aggregate classification (germline): Uncertain significance. Review status: criteria provided, multiple submitters, no conflicts (2 of 4 stars). 3 submissions from 3 submitters: Uncertain significance (3). Last evaluated 2024-04-03.

Conditions:
LEOPARD syndrome 3 (LPRD3). Identifiers: Orphanet 500, MedGen C3150971, MONDO:0013380, OMIM 613707.
Lung cancer. Also called: Lung cancer, somatic; Malignant tumor of lung. Identifiers: MedGen C0242379, MONDO:0008903, OMIM 211980.
Noonan syndrome 7 (NS7). Also called: BRAF-Related Noonan Syndrome. Identifiers: Orphanet 648, MedGen C3150970, MONDO:0013379, OMIM 613706.
Colorectal cancer. Also called: Malignant Colorectal Neoplasm; Colorectal cancer, somatic. Identifiers: MedGen C0346629, MONDO:0005575, OMIM 114500.
Cardiofaciocutaneous syndrome 1 (CFC1). Also called: BRAF-Related Cardiofaciocutaneous Syndrome. Identifiers: Orphanet 1340, MedGen CN029449, MONDO:0007265, OMIM 115150. Disease mechanism: gain of function.
Melanoma, cutaneous malignant, susceptibility to, 1 (CMM1). Also called: B-K MOLE SYNDROME; MELANOMA, MALIGNANT; DYSPLASTIC NEVUS SYNDROME, HEREDITARY; FAMILIAL ATYPICAL MOLE-MALIGNANT MELANOMA SYNDROME. Identifiers: Orphanet 618, MedGen C1835047, MONDO:0007963, OMIM 155600.
RASopathy. Also called: Noonan spectrum disorder; rasopathies. Identifiers: Orphanet 536391, MedGen C5555857, MONDO:0021060.

Allele frequency attached by ClinVar (database versions not stated): gnomAD exomes below 0.00001.
gnomAD v4.1: 5 of 1,613,850 alleles (0.00031%); highest among the groups gnomAD compares: Non-Finnish European, 0.00034%; no homozygotes.

Submissions (3):

Fulgent Genetics
Classification: Uncertain significance for Colorectal cancer; Cardiofaciocutaneous syndrome 1; Melanoma, cutaneous malignant, susceptibility to, 1; Lung cancer; Noonan syndrome 7; LEOPARD syndrome 3. Last evaluated: 2024-04-03. Review status: criteria provided, single submitter. Criteria: ACMG Guidelines, 2015. Collection method: clinical testing. Allele origin: germline.

Labcorp Genetics (formerly Invitae), Labcorp
Classification: Uncertain significance for RASopathy. Last evaluated: 2023-01-28. Review status: criteria provided, single submitter. Criteria: Invitae Variant Classification Sherloc (09022015). Collection method: clinical testing. Allele origin: germline.
Comment: In summary, the available evidence is currently insufficient to determine the role of this variant in disease. Therefore, it has been classified as a Variant of Uncertain Significance. Advanced modeling of protein sequence and biophysical properties (such as structural, functional, and spatial information, amino acid conservation, physicochemical variation, residue mobility, and thermodynamic stability) performed at Invitae indicates that this missense variant is not expected to disrupt BRAF protein function. This sequence change replaces arginine, which is basic and polar, with glutamine, which is neutral and polar, at codon 444 of the BRAF protein (p.Arg444Gln). This variant is not present in population databases (gnomAD no frequency). This variant has not been reported in the literature in individuals affected with BRAF-related conditions. ClinVar contains an entry for this variant (Variation ID: 1021694).

Blueprint Genetics
Classification: Uncertain significance. Last evaluated: 2022-08-16. Review status: criteria provided, single submitter. Criteria: ACMG Guidelines, 2015. Collection method: clinical testing. Allele origin: germline.

NM_004333.6(BRAF):c.1331G>A (p.Arg444Gln)

Gene: BRAF (B-Raf proto-oncogene, serine/threonine kinase; minus strand). Cytogenetic location: 7q34.
Variant type: single nucleotide variant.
Coding change: c.1331G>A on transcript NM_004333.6 (MANE Select); coding-DNA position 1331, G replaced by A.
Protein change: p.Arg444Gln; replaces arginine 444 with glutamine.
Molecular consequence: missense variant.
Genome position (GRCh38, 1-based): chr7:140,781,677, C>T on the plus strand (G>A on the coding strand, the complement: BRAF is on the minus strand). VCF-style: chr7-140781677-C-T. GRCh37 (hg19) VCF-style: chr7-140481477-C-T.
Other names: c.1331G>A, p.Arg444Gln (NM_001354609.2, NM_001378468.1, NM_001378474.1); c.1451G>A, p.Arg484Gln (NM_001374244.1, NM_001374258.1); c.1340G>A, p.Arg447Gln (NM_001378467.1); c.1265G>A, p.Arg422Gln (NM_001378469.1); c.1229G>A, p.Arg410Gln (NM_001378470.1); c.1220G>A, p.Arg407Gln (NM_001378471.1); c.1175G>A, p.Arg392Gln (NM_001378472.1, NM_001378473.1); c.1067G>A, p.Arg356Gln (NM_001378475.1); short protein forms R356Q, R392Q, R407Q, R410Q, R422Q, R444Q, R447Q, R484Q.
Identifiers: ClinVar variation 1021694 (VCV001021694.10), dbSNP rs1800890866, ClinGen allele CA369589032.